The following is an entry in ClinVar:

ClinVar aggregate classification (germline): Uncertain significance. Review status: criteria provided, single submitter (1 of 4 stars). 2 submissions from 1 submitter: Uncertain significance (2).

Conditions:
Maturity-onset diabetes of the young (MODY). Also called: Maturity onset diabetes mellitus in young. Identifiers: Orphanet 552, MedGen C0342276, MONDO:0018911, HP:0004904.
Transitory neonatal diabetes mellitus. Also called: Transient neonatal diabetes mellitus. Identifiers: MedGen C0342273, MONDO:0020525, HP:0008255.

Allele frequency attached by ClinVar (database versions not stated): gnomAD exomes 0.00001.

Submissions (2):

Clinical Genomics, Uppaluri K&H Personalized Medicine Clinic
Classification: Uncertain significance for Transitory neonatal diabetes mellitus. Review status: criteria provided, single submitter. Criteria: K & H Uppaluri Personalized Medicine Clinic Variant Classification & Assertion Criteria_Updated V.1. Collection method: research. Allele origin: somatic. Inheritance: Somatic mutation.
Comment: Mutations in ABCC8 gene are associated with both neonatal diabetes mellitus as well as MODY. Patients with this mutation may have a better response to sulfonylureas. However, no sufficient evidence is found to ascertain the role of this particular variant (rs1334003978 ) in neonatal diabetes yet.

Clinical Genomics, Uppaluri K&H Personalized Medicine Clinic
Classification: Uncertain significance for Maturity-onset diabetes of the young. Review status: criteria provided, single submitter. Criteria: K & H Uppaluri Personalized Medicine Clinic Variant Classification & Assertion Criteria_Updated V.1. Collection method: research. Allele origin: somatic. Inheritance: Somatic mutation.
Comment: Mutations in ABCC8 gene are associated with both neonatal diabetes mellitus as well as MODY. Patients with this mutation may have a better response to sulfonylureas. However, no sufficient evidence is found to ascertain the role of this particular variant ( rs1334003978) in MODY yet.

Literature cited by the submitters: PubMed 16885549; PubMed 21989597; PubMed 27538677; PubMed 18981553; PubMed 32027066; PubMed 16613899; PubMed 18025408; PubMed 32792356.

NM_000352.6(ABCC8):c.4281C>A (p.Asp1427Glu)

Gene: ABCC8 (ATP binding cassette subfamily C member 8; minus strand). Cytogenetic location: 11p15.1.
Variant type: single nucleotide variant.
Coding change: c.4281C>A on transcript NM_000352.6 (MANE Select); coding-DNA position 4281, C replaced by A.
Protein change: p.Asp1427Glu; replaces aspartic acid 1427 with glutamic acid.
Molecular consequence: missense variant. On other transcripts: non-coding transcript variant (1).
Genome position (GRCh38, 1-based): chr11:17,395,636, G>T on the plus strand (C>A on the coding strand, the complement: ABCC8 is on the minus strand). VCF-style: chr11-17395636-G-T. GRCh37 (hg19) VCF-style: chr11-17417183-G-T.
Other names: c.4284C>A, p.Asp1428Glu (NM_001287174.3); c.4347C>A, p.Asp1449Glu (NM_001351295.2); c.4281C>A, p.Asp1427Glu (NM_001351296.2); c.4278C>A, p.Asp1426Glu (NM_001351297.2); short protein forms D1426E, D1427E, D1428E, D1449E.
Identifiers: ClinVar variation 1684040 (VCV001684040.1), dbSNP rs1334003978, ClinGen allele CA379786499.